The following is an entry in ClinVar:

NM_001042545.2(LTBP4):c.4648T>C (p.Cys1550Arg)

Gene: LTBP4 (latent transforming growth factor beta binding protein 4; plus strand). Cytogenetic location: 19q13.2.
Variant type: single nucleotide variant.
Coding change: c.4648T>C on transcript NM_001042545.2 (MANE Select); coding-DNA position 4648, T replaced by C.
Protein change: p.Cys1550Arg; replaces cysteine 1550 with arginine.
Molecular consequence: missense variant.
Genome position (GRCh38, 1-based): chr19:40,629,524, T>C. VCF-style: chr19-40629524-T-C. GRCh37 (hg19) VCF-style: chr19-41135429-T-C.
Other names: c.4849T>C, p.Cys1617Arg (NM_001042544.1); c.4738T>C, p.Cys1580Arg (NM_003573.2); short protein forms C1550R, C1580R, C1617R.
Identifiers: ClinVar variation 1304762 (VCV001304762.2), dbSNP rs1447849700, ClinGen allele CA405913342.
Genomic context (GRCh38, chr19:40,629,524, plus strand): 5'-GATGGCTCCTTCCGCTGCATCTGCCGCCCGGGATTCGCACCCACGCACCAGCCGCACCAC[T>C]GTGCGCCCGCACGGCCCCGGGCCTGAGCCCTGGCACCCGCTGGCCGCCCACCCGCGCCCG-3'
Protein context (NP_001036010.1, residues 1540-1557): GFAPTHQPHH[Cys1550Arg]APARPRA

ClinVar aggregate classification (germline): Uncertain significance (1 of 4 stars; one submission).

Allele frequency attached by ClinVar (database versions not stated): TOPMed below 0.00001; gnomAD 0.00001; gnomAD exomes 0.00007 and below 0.00001.
gnomAD v4.1: 105 of 1,578,048 alleles (0.0067%); highest among the groups gnomAD compares: Non-Finnish European, 0.0086%; no homozygotes.

Submission:

GeneDx
Classification: Uncertain significance. Last evaluated: 2019-07-03. Review status: criteria provided, single submitter. Criteria: GeneDx Variant Classification Process June 2021. Collection method: clinical testing. Allele origin: germline. Affected: yes.
Comment: Not observed at a significant frequency in large population cohorts (Lek et al., 2016); Has not been previously published as pathogenic or benign to our knowledge